The following is an entry in ClinVar:

ClinVar aggregate classification (germline): Conflicting classifications of pathogenicity. Review status: criteria provided, conflicting classifications (1 of 4 stars). 3 submissions from 3 submitters: Likely pathogenic (1); Uncertain significance (1). 1 of the submissions does not count toward it. Last evaluated 2025-07-21.

Conditions:
Odonto-onycho-dermal dysplasia. Identifiers: Orphanet 2721, MedGen C0796093, MONDO:0009773, OMIM 257980.
Tooth agenesis, selective, 4 (STHAG4). Also called: LATERAL INCISORS, ABSENCE OF; LATERAL INCISORS, PEGGED OR MISSING; SUCCEDANEOUS TEETH, AGENESIS OF; TOOTH AGENESIS, SELECTIVE, 4, WITH OR WITHOUT ECTODERMAL DYSPLASIA. Identifiers: Orphanet 99798, MedGen C1835492, MONDO:0007881, OMIM 150400. Disease mechanism: loss of function.
Schöpf-Schulz-Passarge syndrome. Also called: KERATOSIS PALMOPLANTARIS WITH CYSTIC EYELIDS, HYPODONTIA, AND HYPOTRICHOSIS; ECCRINE TUMORS WITH ECTODERMAL DYSPLASIA; SchC6pf-Schulz-Passarge syndrome. Identifiers: Orphanet 50944, MedGen C1857069, MONDO:0009145, OMIM 224750.

Allele frequency attached by ClinVar (database versions not stated): TOPMed below 0.00001; gnomAD exomes 0.00001.

Submissions (3):

Labcorp Genetics (formerly Invitae), Labcorp
Classification: Uncertain significance for Tooth agenesis, selective, 4; Odonto-onycho-dermal dysplasia. Last evaluated: 2025-07-21. Review status: criteria provided, single submitter. Criteria: Invitae Variant Classification Sherloc (09022015). Collection method: clinical testing. Allele origin: germline.
Comment: This sequence change replaces alanine, which is neutral and non-polar, with threonine, which is neutral and polar, at codon 135 of the WNT10A protein (p.Ala135Thr). This variant is present in population databases (no rsID available, gnomAD 0.02%). This missense change has been observed in individual(s) with clinical features of autosomal recessive ectodermal dysplasia (internal data). In at least one individual the data is consistent with being in trans (on the opposite chromosome) from a pathogenic variant. ClinVar contains an entry for this variant (Variation ID: 574455). Invitae Evidence Modeling of protein sequence and biophysical properties (such as structural, functional, and spatial information, amino acid conservation, physicochemical variation, residue mobility, and thermodynamic stability) indicates that this missense variant is expected to disrupt WNT10A protein function with a positive predictive value of 80%. In summary, the available evidence is currently insufficient to determine the role of this variant in disease. Therefore, it has been classified as a Variant of Uncertain Significance.

Fulgent Genetics
Classification: Likely pathogenic for Tooth agenesis, selective, 4; Schöpf-Schulz-Passarge syndrome; Odonto-onycho-dermal dysplasia. Last evaluated: 2024-02-13. Review status: criteria provided, single submitter. Criteria: ACMG Guidelines, 2015. Collection method: clinical testing. Allele origin: germline.

Natera, Inc.
Classification: Uncertain significance for Schopf-Schulz-Passarge syndrome. Last evaluated: 2020-07-13. Review status: no assertion criteria provided. Collection method: clinical testing. Allele origin: germline. Not counted in ClinVar's aggregate classification.

NM_025216.3(WNT10A):c.403G>A (p.Ala135Thr)

Gene: WNT10A (Wnt family member 10A; plus strand). Cytogenetic location: 2q35.
Variant type: single nucleotide variant.
Coding change: c.403G>A on transcript NM_025216.3 (MANE Select); coding-DNA position 403, G replaced by A.
Protein change: p.Ala135Thr; replaces alanine 135 with threonine.
Molecular consequence: missense variant.
Genome position (GRCh38, 1-based): chr2:218,890,010, G>A. VCF-style: chr2-218890010-G-A. GRCh37 (hg19) VCF-style: chr2-219754732-G-A.
Other names: short protein forms A135T.
Identifiers: ClinVar variation 574455 (VCV000574455.9), dbSNP rs1402990329, ClinGen allele CA350585365.